The following is an entry in ClinVar:

NM_004074.3(COX8A):c.124G>A (p.Val42Ile)

Gene: COX8A (cytochrome c oxidase subunit 8A; plus strand). Cytogenetic location: 11q13.1.
Variant type: single nucleotide variant.
Coding change: c.124G>A on transcript NM_004074.3 (MANE Select); coding-DNA position 124, G replaced by A.
Protein change: p.Val42Ile; replaces valine 42 with isoleucine.
Molecular consequence: missense variant.
Genome position (GRCh38, 1-based): chr11:63,976,234, G>A. VCF-style: chr11-63976234-G-A. GRCh37 (hg19) VCF-style: chr11-63743706-G-A.
Other names: short protein forms V42I.
Identifiers: ClinVar variation 1966938 (VCV001966938.5), dbSNP rs550927126, ClinGen allele CA6066756.
Genomic context (GRCh38, chr11:63,976,234, plus strand): 5'-GCCTAGGGGAATACTGACTCCGAGGTGCCTTCTTTCTTGTGCTCTGTGTAGGAATTGGCC[G>A]TTGGGCTTACCTCCTGCTTCGTGACCTTCCTCCTGCCAGCGGGCTGGATCCTGTCACACC-3'
Protein context (NP_004065.1, residues 32-52): EGKLGIMELA[Val42Ile]GLTSCFVTFL

ClinVar aggregate classification (germline): Uncertain significance (1 of 4 stars; one submission).

Allele frequency attached by ClinVar (database versions not stated): ExAC 0.00001.
gnomAD v4.1: 10 of 1,614,142 alleles (0.00062%); highest among the groups gnomAD compares: Non-Finnish European, 0.00085%; no homozygotes.

Submission:

Labcorp Genetics (formerly Invitae), Labcorp
Classification: Uncertain significance. Last evaluated: 2022-06-10. Review status: criteria provided, single submitter. Criteria: Invitae Variant Classification Sherloc (09022015). Collection method: clinical testing. Allele origin: germline.
Comment: Algorithms developed to predict the effect of missense changes on protein structure and function output the following: SIFT: "Tolerated"; PolyPhen-2: "Benign"; Align-GVGD: "Class C0". The isoleucine amino acid residue is found in multiple mammalian species, which suggests that this missense change does not adversely affect protein function. This variant has not been reported in the literature in individuals affected with COX8A-related conditions. This variant is present in population databases (rs550927126, gnomAD 0.002%). This sequence change replaces valine, which is neutral and non-polar, with isoleucine, which is neutral and non-polar, at codon 42 of the COX8A protein (p.Val42Ile). In summary, the available evidence is currently insufficient to determine the role of this variant in disease. Therefore, it has been classified as a Variant of Uncertain Significance.